The following is an entry in ClinVar:

NM_001384140.1(PCDH15):c.2093C>T (p.Thr698Ile)

Gene: PCDH15 (protocadherin related 15; minus strand). Cytogenetic location: 10q21.1.
Variant type: single nucleotide variant.
Coding change: c.2093C>T on transcript NM_001384140.1 (MANE Select); coding-DNA position 2093, C replaced by T.
Protein change: p.Thr698Ile; replaces threonine 698 with isoleucine.
Molecular consequence: missense variant.
Genome position (GRCh38, 1-based): chr10:54,066,884, G>A on the plus strand (C>T on the coding strand, the complement: PCDH15 is on the minus strand). VCF-style: chr10-54066884-G-A. GRCh37 (hg19) VCF-style: chr10-55826644-G-A.
Other names: c.2093C>T (NM_033056.3); c.2108C>T, p.Thr703Ile (NM_001142763.2, NM_001142771.2); c.2093C>T, p.Thr698Ile (NM_001142764.2, NM_001142766.2, NM_001142770.3 and 5 more transcripts); c.1880C>T, p.Thr627Ile (NM_001142765.2); c.1982C>T, p.Thr661Ile (NM_001142767.2); c.2027C>T, p.Thr676Ile (NM_001142768.2, NM_001142773.2, NM_001354404.2); c.2129C>T, p.Thr710Ile (NM_001142769.4); c.2114C>T, p.Thr705Ile (NM_001354411.2); short protein forms T627I, T661I, T676I, T698I, T703I, T705I, T710I.
Identifiers: ClinVar variation 1209592 (VCV001209592.8), dbSNP rs200784596, ClinGen allele CA5506117.

ClinVar aggregate classification (germline): Uncertain significance. Review status: criteria provided, multiple submitters, no conflicts (2 of 4 stars). 4 submissions from 3 submitters: Uncertain significance (4). Last evaluated 2025-05-06.

Conditions:
Autosomal recessive nonsyndromic hearing loss 23. Identifiers: Orphanet 90636, MedGen C1836027, MONDO:0012293, OMIM 609533.
Usher syndrome type 1F (USH1F). Also called: USHER SYNDROME, TYPE IF. Identifiers: Orphanet 231169, Orphanet 886, MedGen C1865885, MONDO:0011186, OMIM 602083.

Allele frequency attached by ClinVar (database versions not stated): gnomAD exomes 0.00001 and 0.00002; ExAC 0.00002; gnomAD 0.00005; TOPMed 0.00003.
gnomAD v4.1: 33 of 1,612,664 alleles (0.002%); highest among the groups gnomAD compares: Non-Finnish European, 0.0027%; no homozygotes.

Submissions (4):

GeneDx
Classification: Uncertain significance. Last evaluated: 2025-05-06. Review status: criteria provided, single submitter. Criteria: GeneDx Variant Classification Process June 2021. Collection method: clinical testing. Allele origin: germline.
Comment: Not observed at significant frequency in large population cohorts (gnomAD); In silico analysis suggests that this missense variant does not alter protein structure/function; Has not been previously published as pathogenic or benign to our knowledge

Labcorp Genetics (formerly Invitae), Labcorp
Classification: Uncertain significance. Last evaluated: 2022-06-04. Review status: criteria provided, single submitter. Criteria: Invitae Variant Classification Sherloc (09022015). Collection method: clinical testing. Allele origin: germline.
Comment: This sequence change replaces threonine, which is neutral and polar, with isoleucine, which is neutral and non-polar, at codon 698 of the PCDH15 protein (p.Thr698Ile). This variant is present in population databases (rs200784596, gnomAD 0.003%). This variant has not been reported in the literature in individuals affected with PCDH15-related conditions. ClinVar contains an entry for this variant (Variation ID: 1209592). Algorithms developed to predict the effect of missense changes on protein structure and function are either unavailable or do not agree on the potential impact of this missense change (SIFT: "Tolerated"; PolyPhen-2: "Possibly Damaging"; Align-GVGD: "Class C0"). In summary, the available evidence is currently insufficient to determine the role of this variant in disease. Therefore, it has been classified as a Variant of Uncertain Significance.

Genome-Nilou Lab
Classification: Uncertain significance for Autosomal recessive nonsyndromic hearing loss 23. Last evaluated: 2021-07-14. Review status: criteria provided, single submitter. Criteria: ACMG Guidelines, 2015. Collection method: clinical testing. Allele origin: germline. Affected: no.

Genome-Nilou Lab
Classification: Uncertain significance for Usher syndrome type 1F. Last evaluated: 2021-07-14. Review status: criteria provided, single submitter. Criteria: ACMG Guidelines, 2015. Collection method: clinical testing. Allele origin: germline. Affected: no.